The following is an entry in ClinVar:

ClinVar aggregate classification (germline): Uncertain significance (1 of 4 stars; one submission).

Submission:

ISCA site 15
Classification: Uncertain significance. Last evaluated: 2011-08-12. Review status: criteria provided, single submitter. Criteria: Kaminsky et al. (Genet Med. 2011). Collection method: clinical testing. Allele origin: unknown. Affected: yes. Observed: 1 variant allele.
Comment: Copy number variation identified through the course of routine clinical cytogenomic testing in postnatal populations. Clinical assertions have been curated as described in Kaminsky et al. 2011.

GRCh38/hg38 20p13(chr20:1551830-1883860)x3

Genes: SIRPB1 (signal regulatory protein beta 1; minus strand), SIRPD (signal regulatory protein delta; minus strand), SIRPG (signal regulatory protein gamma; minus strand), SIRPG-AS1 (SIRPG antisense RNA 1; plus strand), LOC125384560 (Sharpr-MPRA regulatory region 14496; plus strand) and 3 more. Cytogenetic location: 20p13.
Variant type: copy number gain.
Change: copy number 3 (three copies instead of two) of chr20:1,551,830-1,883,860 (332.0 kb, GRCh38 coordinates, 1-based), cytogenetic band 20p13.
Identifiers: ClinVar variation 58963 (VCV000058963.1).